The following is an entry in ClinVar:

NM_001017361.3(KHDC3L):c.349+3_349+4insAA

Gene: KHDC3L (KH domain containing 3 like, subcortical maternal complex member; plus strand). Cytogenetic location: 6q13.
Variant type: Insertion.
Coding change: c.349+3_349+4insAA on transcript NM_001017361.3 (MANE Select); bases 3 to 4 of the intron after coding-DNA position 349, AA inserted.
Molecular consequence: intron variant.
Genome position: GRCh38 VCF-style: chr6-73363276-T-TAA. GRCh37 (hg19) VCF-style: chr6-74072999-T-TAA.
Identifiers: ClinVar variation 4884767 (VCV004884767.1).

ClinVar aggregate classification (germline): Likely pathogenic (1 of 4 stars; one submission).

Conditions:
Hydatidiform mole, recurrent, 2 (HYDM2). Identifiers: Orphanet 254688, Orphanet 99927, MedGen C3280352, MONDO:0013671, OMIM 614293.

Submission:

Bioinformatics Unit, Institut Pasteur de Montevideo
Classification: Likely pathogenic for Hydatidiform mole, recurrent, 2. Review status: criteria provided, single submitter. Criteria: ACMG Guidelines, 2015. Collection method: clinical testing. Allele origin: germline. Inheritance: Autosomal recessive inheritance. Affected: yes. Observed: 1 variant allele, 1 homozygote.
Comment: A complex variant: Chr6:74072997_74072998del (GG/-, c.349_349+1del) / Chr6:74072999_74073000insAA (-/AA, c.349+2_349+3insAA), in the exon-intron boundary at the 3′ end of exon 2 of the KHDC3L gene (6q13, NM_001017361), was detected in homozygosis. This variant affects the last nucleotide of exon 2 and the adjacent canonical splicing donor site, corresponding to Gly117 in the predicted protein structure.